The following is an entry in ClinVar:

NM_177438.3(DICER1):c.4507T>C (p.Tyr1503His)

Gene: DICER1 (dicer 1, ribonuclease III; minus strand). Cytogenetic location: 14q32.13.
Variant type: single nucleotide variant.
Coding change: c.4507T>C on transcript NM_177438.3 (MANE Select); coding-DNA position 4507, T replaced by C.
Protein change: p.Tyr1503His; replaces tyrosine 1503 with histidine.
Molecular consequence: missense variant.
Genome position (GRCh38, 1-based): chr14:95,096,413, A>G on the plus strand (T>C on the coding strand, the complement: DICER1 is on the minus strand). VCF-style: chr14-95096413-A-G. GRCh37 (hg19) VCF-style: chr14-95562750-A-G.
Other names: c.4507T>C, p.Tyr1503His (NM_001195573.1, NM_001271282.3, NM_001291628.2 and 1 more transcripts); short protein forms Y1503H.
Identifiers: ClinVar variation 1005870 (VCV001005870.11), dbSNP rs1890341285, ClinGen allele CA390868049.

ClinVar aggregate classification (germline): Uncertain significance. Review status: criteria provided, multiple submitters, no conflicts (2 of 4 stars). 2 submissions from 2 submitters: Uncertain significance (2). Last evaluated 2025-06-18.

Conditions:
DICER1-related tumor predisposition. Also called: DICER1 syndrome; DICER1-related pleuropulmonary blastoma cancer predisposition syndrome. Identifiers: Orphanet 284343, MedGen C3839822, MONDO:0100216.
Hereditary cancer-predisposing syndrome. Also called: Hereditary neoplastic syndrome; Neoplastic Syndromes, Hereditary; Tumor predisposition; Hereditary Cancer Syndrome. Identifiers: Orphanet 140162, MedGen C0027672, MeSH D009386, MONDO:0015356.

Submissions (2):

Ambry Genetics
Classification: Uncertain significance for Hereditary cancer-predisposing syndrome. Last evaluated: 2025-06-18. Review status: criteria provided, single submitter. Criteria: Ambry Variant Classification Scheme 2023. Collection method: clinical testing. Allele origin: germline.
Comment: The p.Y1503H variant (also known as c.4507T>C), located in coding exon 22 of the DICER1 gene, results from a T to C substitution at nucleotide position 4507. The tyrosine at codon 1503 is replaced by histidine, an amino acid with similar properties. This amino acid position is highly conserved in available vertebrate species. In addition, this alteration is predicted to be deleterious by in silico analysis. Based on the available evidence, the clinical significance of this variant remains unclear.

Labcorp Genetics (formerly Invitae), Labcorp
Classification: Uncertain significance for DICER1-related tumor predisposition. Last evaluated: 2025-01-13. Review status: criteria provided, single submitter. Criteria: Invitae Variant Classification Sherloc (09022015). Collection method: clinical testing. Allele origin: germline.
Comment: This sequence change replaces tyrosine, which is neutral and polar, with histidine, which is basic and polar, at codon 1503 of the DICER1 protein (p.Tyr1503His). This variant is not present in population databases (gnomAD no frequency). This variant has not been reported in the literature in individuals affected with DICER1-related conditions. ClinVar contains an entry for this variant (Variation ID: 1005870). Invitae Evidence Modeling of protein sequence and biophysical properties (such as structural, functional, and spatial information, amino acid conservation, physicochemical variation, residue mobility, and thermodynamic stability) indicates that this missense variant is not expected to disrupt DICER1 protein function with a negative predictive value of 95%. In summary, the available evidence is currently insufficient to determine the role of this variant in disease. Therefore, it has been classified as a Variant of Uncertain Significance.